The following is an entry in ClinVar:

NM_006266.4(RALGDS):c.2329C>T (p.Arg777Cys)

Genes: RALGDS (ral guanine nucleotide dissociation stimulator; minus strand), LOC126860784 (CDK7 strongly-dependent group 2 enhancer GRCh37_chr9:135976589-135977788; plus strand). Cytogenetic location: 9q34.2.
Variant type: single nucleotide variant.
Coding change: c.2329C>T on transcript NM_006266.4 (MANE Select); coding-DNA position 2329, C replaced by T.
Protein change: p.Arg777Cys; replaces arginine 777 with cysteine.
Molecular consequence: missense variant.
Genome position (GRCh38, 1-based): chr9:133,101,645, G>A on the plus strand (C>T on the coding strand, the complement: RALGDS is on the minus strand). VCF-style: chr9-133101645-G-A. GRCh37 (hg19) VCF-style: chr9-135977032-G-A.
Other names: c.2164C>T, p.Arg722Cys (NM_001042368.3); c.2242C>T, p.Arg748Cys (NM_001271774.2); c.2326C>T, p.Arg776Cys (NM_001271775.2); c.2293C>T, p.Arg765Cys (NM_001271776.2); short protein forms R748C, R722C, R765C, R776C, R777C.
Identifiers: ClinVar variation 4840821 (VCV004840821.1).

ClinVar aggregate classification (germline): Uncertain significance (1 of 4 stars; one submission).

gnomAD v4.1: 24 of 1,613,724 alleles (0.0015%); highest among the groups gnomAD compares: Non-Finnish European, 0.0019%; no homozygotes.

Submission:

Ambry Genetics
Classification: Uncertain significance. Last evaluated: 2026-03-02. Review status: criteria provided, single submitter. Criteria: Ambry Variant Classification Scheme 2023. Collection method: clinical testing. Allele origin: germline.
Comment: The c.2329C>T (p.R777C) alteration is located in exon 16 (coding exon 16) of the RALGDS gene. This alteration results from a C to T substitution at nucleotide position 2329, causing the arginine (R) at amino acid position 777 to be replaced by a cysteine (C). Based on data from gnomAD, the T allele has an overall frequency of 0.002% (4/250434) total alleles studied. The highest observed frequency was 0.003% (1/34582) of Latino alleles. Based on insufficient or conflicting evidence, the clinical significance of this alteration remains unclear.